The following is an entry in ClinVar:

ClinVar aggregate classification (germline): Uncertain significance. Review status: criteria provided, multiple submitters, no conflicts (2 of 4 stars). 2 submissions from 2 submitters: Uncertain significance (2). Last evaluated 2024-05-09.

Conditions:
Hereditary cancer-predisposing syndrome. Also called: Neoplastic Syndromes, Hereditary; Hereditary Cancer Syndrome; Tumor predisposition; Hereditary neoplastic syndrome. Identifiers: Orphanet 140162, MedGen C0027672, MeSH D009386, MONDO:0015356.
Hereditary pheochromocytoma and paraganglioma. Also called: Hereditary Paraganglioma-Pheochromocytoma Syndromes; Hereditary paragangliomas and pheochromocytomas; Hereditary pheochromocytoma-paraganglioma. Identifiers: Orphanet 29072, MedGen C4274332, MONDO:0017366.

Submissions (2):

Ambry Genetics
Classification: Uncertain significance for Hereditary cancer-predisposing syndrome. Last evaluated: 2024-05-09. Review status: criteria provided, single submitter. Criteria: Ambry Variant Classification Scheme 2023. Collection method: clinical testing. Allele origin: germline.
Comment: The p.E215G variant (also known as c.644A>G), located in coding exon 3 of the TMEM127 gene, results from an A to G substitution at nucleotide position 644. The glutamic acid at codon 215 is replaced by glycine, an amino acid with similar properties. This amino acid position is conserved. In addition, this alteration is predicted to be deleterious by in silico analysis. Based on the available evidence, the clinical significance of this variant remains unclear.

Labcorp Genetics (formerly Invitae), Labcorp
Classification: Uncertain significance for Hereditary pheochromocytoma and paraganglioma. Last evaluated: 2018-12-19. Review status: criteria provided, single submitter. Criteria: Invitae Variant Classification Sherloc (09022015). Collection method: clinical testing. Allele origin: germline.
Comment: This sequence change replaces glutamic acid with glycine at codon 215 of the TMEM127 protein (p.Glu215Gly). The glutamic acid residue is highly conserved and there is a moderate physicochemical difference between glutamic acid and glycine. This variant is not present in population databases (ExAC no frequency). This variant has not been reported in the literature in individuals with TMEM127-related conditions. Algorithms developed to predict the effect of missense changes on protein structure and function (SIFT, PolyPhen-2, Align-GVGD) all suggest that this variant is likely to be disruptive, but these predictions have not been confirmed by published functional studies and their clinical significance is uncertain. In summary, the available evidence is currently insufficient to determine the role of this variant in disease. Therefore, it has been classified as a Variant of Uncertain Significance.

NM_017849.4(TMEM127):c.644A>G (p.Glu215Gly)

Gene: TMEM127 (transmembrane protein 127; minus strand). Cytogenetic location: 2q11.2.
Variant type: single nucleotide variant.
Coding change: c.644A>G on transcript NM_017849.4 (MANE Select); coding-DNA position 644, A replaced by G.
Protein change: p.Glu215Gly; replaces glutamic acid 215 with glycine.
Molecular consequence: missense variant.
Genome position (GRCh38, 1-based): chr2:96,253,881, T>C on the plus strand (A>G on the coding strand, the complement: TMEM127 is on the minus strand). VCF-style: chr2-96253881-T-C. GRCh37 (hg19) VCF-style: chr2-96919619-T-C.
Other names: c.644A>G, p.Glu215Gly (NM_001193304.3); short protein forms E215G.
Identifiers: ClinVar variation 643694 (VCV000643694.9), dbSNP rs1573968995, ClinGen allele CA347651651.